The following is an entry in ClinVar:

NM_015721.3(GEMIN4):c.1437G>C (p.Val479=)

Gene: GEMIN4 (gem nuclear organelle associated protein 4; minus strand). Cytogenetic location: 17p13.3.
Variant type: single nucleotide variant.
Coding change: c.1437G>C on transcript NM_015721.3 (MANE Select); coding-DNA position 1437, G replaced by C.
Protein change: p.Val479=; no amino-acid change (valine 479 retained).
Molecular consequence: synonymous variant.
Genome position (GRCh38, 1-based): chr17:746,606, C>G on the plus strand (G>C on the coding strand, the complement: GEMIN4 is on the minus strand). VCF-style: chr17-746606-C-G. GRCh37 (hg19) VCF-style: chr17-649846-C-G.
Identifiers: ClinVar variation 4821659 (VCV004821659.4).

ClinVar aggregate classification (germline): Likely benign (1 of 4 stars; one submission).

gnomAD v4.1: 9 of 1,613,636 alleles (0.00056%); highest among the groups gnomAD compares: African/African-American, 0.0013%; no homozygotes.

Submission:

CeGaT Center for Human Genetics Tuebingen
Classification: Likely benign. Last evaluated: 2026-03-01. Review status: criteria provided, single submitter. Criteria: CeGaT Center For Human Genetics Tuebingen Variant Classification Criteria Version 2. Collection method: clinical testing. Allele origin: germline. Affected: yes. Observed: 1 variant allele.
Comment: GEMIN4: BP4, BP7